The following is an entry in ClinVar:

NM_000395.3(CSF2RB):c.2532C>T (p.Pro844=)

Gene: CSF2RB (colony stimulating factor 2 receptor subunit beta; plus strand). Cytogenetic location: 22q12.3.
Variant type: single nucleotide variant.
Coding change: c.2532C>T on transcript NM_000395.3 (MANE Select); coding-DNA position 2532, C replaced by T.
Protein change: p.Pro844=; no amino-acid change (proline 844 retained).
Molecular consequence: synonymous variant.
Genome position (GRCh38, 1-based): chr22:36,938,340, C>T. VCF-style: chr22-36938340-C-T. GRCh37 (hg19) VCF-style: chr22-37334382-C-T.
Identifiers: ClinVar variation 1643957 (VCV001643957.26), dbSNP rs145966238, ClinGen allele CA10214151.
Genomic context (GRCh38, chr22:36,938,340, plus strand): 5'-CCTCCCCGGCCTGGGGCCCGGCCCTCTCTCGCTCCGGAGTAAACCTTCTTCCCCGGGACC[C>T]GGTCCTGAGATCAAGAACCTAGACCAGGCTTTTCAAGTCAAGAAGCCCCCAGGCCAGGCT-3'
Protein context (NP_000386.1, residues 834-854): SLRSKPSSPG[Pro844=]GPEIKNLDQA

ClinVar aggregate classification (germline): Likely benign. Review status: criteria provided, multiple submitters, no conflicts (2 of 4 stars). 2 submissions from 2 submitters: Likely benign (2). Last evaluated 2025-12-20.

Allele frequency attached by ClinVar (database versions not stated): ExAC 0.00007; ESP Exome Variant Server 0.00008.
gnomAD v4.1: 91 of 1,614,084 alleles (0.0056%); highest among the groups gnomAD compares: Middle Eastern, 0.066%; 1 homozygote.

Submissions (2):

Labcorp Genetics (formerly Invitae), Labcorp
Classification: Likely benign. Last evaluated: 2025-12-20. Review status: criteria provided, single submitter. Criteria: Invitae Variant Classification Sherloc (09022015). Collection method: clinical testing. Allele origin: germline.

CeGaT Center for Human Genetics Tuebingen
Classification: Likely benign. Last evaluated: 2024-06-01. Review status: criteria provided, single submitter. Criteria: CeGaT Center For Human Genetics Tuebingen Variant Classification Criteria Version 2. Collection method: clinical testing. Allele origin: germline. Affected: yes. Observed: 1 variant allele.
Comment: CSF2RB: BP4, BP7